The following is an entry in ClinVar:

ClinVar aggregate classification (germline): Benign/Likely benign. Review status: criteria provided, multiple submitters, no conflicts (2 of 4 stars). 4 submissions from 4 submitters: Benign (1); Likely benign (3). Last evaluated 2025-12-24.

Conditions:
BAP1-related tumor predisposition syndrome (TPDS1). Also called: Tumor susceptibility linked to germline BAP1 mutations; COMMON Syndrome; TUMOR PREDISPOSITION SYNDROME 1; BAP1 tumor predisposition syndrome. Identifiers: Orphanet 289539, MedGen C3280492, MONDO:0013692, OMIM 614327.
Hereditary cancer-predisposing syndrome. Also called: Neoplastic Syndromes, Hereditary; Tumor predisposition; Hereditary Cancer Syndrome; Hereditary neoplastic syndrome. Identifiers: Orphanet 140162, MedGen C0027672, MeSH D009386, MONDO:0015356.

Allele frequency attached by ClinVar (database versions not stated): gnomAD exomes below 0.00001.
gnomAD v4.1: 3 of 1,611,910 alleles (0.00019%); highest among the groups gnomAD compares: Non-Finnish European, 0.00025%; no homozygotes.

Submissions (4):

Labcorp Genetics (formerly Invitae), Labcorp
Classification: Likely benign for BAP1-related tumor predisposition syndrome. Last evaluated: 2025-12-24. Review status: criteria provided, single submitter. Criteria: Invitae Variant Classification Sherloc (09022015). Collection method: clinical testing. Allele origin: germline.

Myriad Genetics, Inc.
Classification: Benign for BAP1-related tumor predisposition syndrome. Last evaluated: 2024-07-11. Review status: criteria provided, single submitter. Criteria: Myriad Autosomal Dominant, Autosomal Recessive and X-Linked Classification Criteria (2023). Collection method: clinical testing. Allele origin: unknown.
Comment: This variant is considered benign. This variant is a silent/synonymous amino acid change and it is not expected to impact splicing.

Ambry Genetics
Classification: Likely benign for Hereditary cancer-predisposing syndrome. Last evaluated: 2020-02-26. Review status: criteria provided, single submitter. Criteria: Ambry Variant Classification Scheme 2023. Collection method: clinical testing. Allele origin: germline.

Color Diagnostics, LLC DBA Color Health
Classification: Likely benign for Hereditary cancer-predisposing syndrome. Last evaluated: 2019-03-18. Review status: criteria provided, single submitter. Criteria: ACMG Guidelines, 2015. Collection method: clinical testing. Allele origin: germline.

NM_004656.4(BAP1):c.282T>C (p.His94=)

Gene: BAP1 (BRCA1 associated deubiquitinase 1; minus strand). Cytogenetic location: 3p21.1.
Variant type: single nucleotide variant.
Coding change: c.282T>C on transcript NM_004656.4 (MANE Select); coding-DNA position 282, T replaced by C.
Protein change: p.His94=; no amino-acid change (histidine 94 retained).
Molecular consequence: synonymous variant.
Genome position (GRCh38, 1-based): chr3:52,408,051, A>G on the plus strand (T>C on the coding strand, the complement: BAP1 is on the minus strand). VCF-style: chr3-52408051-A-G. GRCh37 (hg19) VCF-style: chr3-52442067-A-G.
Identifiers: ClinVar variation 922025 (VCV000922025.12), dbSNP rs1705222319, ClinGen allele CA433777747.